The following is an entry in ClinVar:

NM_020987.5(ANK3):c.8199G>A (p.Met2733Ile)

Gene: ANK3 (ankyrin 3; minus strand). Cytogenetic location: 10q21.2.
Variant type: single nucleotide variant.
Coding change: c.8199G>A on transcript NM_020987.5 (MANE Select); coding-DNA position 8199, G replaced by A.
Protein change: p.Met2733Ile; replaces methionine 2733 with isoleucine.
Molecular consequence: missense variant. On other transcripts: intron variant (4).
Genome position (GRCh38, 1-based): chr10:60,072,682, C>T on the plus strand (G>A on the coding strand, the complement: ANK3 is on the minus strand). VCF-style: chr10-60072682-C-T. GRCh37 (hg19) VCF-style: chr10-61832440-C-T.
Other names: c.4388-4673G>A (NM_001204403.2); c.4409-4673G>A (NM_001204404.2); c.4406-4673G>A (NM_001320874.2); c.1808-4673G>A (NM_001149.4); short protein forms M2733I.
Identifiers: ClinVar variation 3234818 (VCV003234818.20), dbSNP rs192012160, ClinGen allele CA377008376.

ClinVar aggregate classification (germline): Uncertain significance (1 of 4 stars; one submission).

Submission:

CeGaT Center for Human Genetics Tuebingen
Classification: Uncertain significance. Last evaluated: 2024-04-01. Review status: criteria provided, single submitter. Criteria: CeGaT Center For Human Genetics Tuebingen Variant Classification Criteria Version 2. Collection method: clinical testing. Allele origin: germline. Affected: yes. Observed: 1 variant allele.
Comment: ANK3: PM2, BP4